The following is an entry in ClinVar:

NM_058216.3(RAD51C):c.-19G>A

Gene: RAD51C (RAD51 paralog C; plus strand). Cytogenetic location: 17q22.
Variant type: single nucleotide variant.
Coding change: c.-19G>A on transcript NM_058216.3 (MANE Select); 19 bases upstream of the start codon, G replaced by A.
Molecular consequence: 5 prime UTR variant. On other transcripts: non-coding transcript variant (2).
Genome position (GRCh38, 1-based): chr17:58,692,625, G>A. VCF-style: chr17-58692625-G-A. GRCh37 (hg19) VCF-style: chr17-56769986-G-A.
Other names: c.-19G>A (NM_002876.4).
Identifiers: ClinVar variation 378458 (VCV000378458.15), dbSNP rs375889604, ClinGen allele CA8677107.

ClinVar aggregate classification (germline): Conflicting classifications of pathogenicity. Review status: criteria provided, conflicting classifications (1 of 4 stars). 6 submissions from 6 submitters: Uncertain significance (2); Likely benign (4). Last evaluated 2026-06-10.

Conditions:
Hereditary cancer-predisposing syndrome. Also called: Hereditary Cancer Syndrome; Neoplastic Syndromes, Hereditary; Hereditary neoplastic syndrome; Tumor predisposition. Identifiers: Orphanet 140162, MedGen C0027672, MeSH D009386, MONDO:0015356.
Familial ovarian cancer. Identifiers: MedGen C5679802, MONDO:0016248.
Breast-ovarian cancer, familial, susceptibility to, 3. Also called: RAD51C-Related Breast/Ovarian Cancer. Identifiers: Orphanet 145, MedGen C3150659, MONDO:0013253, OMIM 613399.

Allele frequency attached by ClinVar (database versions not stated): TOPMed 0.00010; 1000 Genomes Project 30x 0.00016; gnomAD 0.00009 and 0.00008; ESP Exome Variant Server 0.00008; gnomAD exomes 0.00002.

Submissions (6):

Myriad Genetics, Inc.
Classification: Likely benign for Breast-ovarian cancer, familial, susceptibility to, 3. Last evaluated: 2026-06-10. Review status: criteria provided, single submitter. Criteria: Myriad Autosomal Dominant, Autosomal Recessive and X-Linked Classification Criteria (2023). Collection method: clinical testing. Allele origin: unknown.
Comment: This variant is considered likely benign. This variant is strongly associated with less severe personal and family histories of cancer, typical for individuals without pathogenic variants in this gene [PMID: 25085752].

Center for Genomic Medicine, Rigshospitalet, Copenhagen University Hospital
Classification: Likely benign. Last evaluated: 2025-03-04. Review status: criteria provided, single submitter. Criteria: ACMG Guidelines, 2015. Collection method: clinical testing. Allele origin: germline.

Molecular Pathology, Peter Maccallum Cancer Centre
Classification: Uncertain significance for Familial ovarian cancer. Last evaluated: 2024-12-12. Review status: criteria provided, single submitter. Criteria: ACMG Guidelines, 2015. Collection method: clinical testing. Allele origin: germline. Inheritance: Autosomal dominant inheritance.

Sema4
Classification: Likely benign for Hereditary cancer-predisposing syndrome. Last evaluated: 2020-09-16. Review status: criteria provided, single submitter. Criteria: Sema4 Curation Guidelines. Collection method: curation. Allele origin: germline.

Color Diagnostics, LLC DBA Color Health
Classification: Uncertain significance for Hereditary cancer-predisposing syndrome. Last evaluated: 2020-01-08. Review status: criteria provided, single submitter. Criteria: ACMG Guidelines, 2015. Collection method: clinical testing. Allele origin: germline.
Comment: This variant causes a G>A nucleotide substitution at the -19 position in the 5' untranslated region of the RAD51C gene. This variant is located distal to the Kozak consensus sequence (PMID: 3313277). Splice site prediction tools suggest that this variant may not impact RNA splicing. To our knowledge, functional studies have not been performed for this variant. This variant has not been reported in individuals affected with hereditary cancer in the literature. This variant has been identified in 8/282158 chromosomes in the general population by the Genome Aggregation Database (gnomAD). Although there is a suspicion that this variant may not be associated with disease, additional studies are necessary to determine the role of this variant in disease conclusively. Therefore, this variant is classified as a Variant of Uncertain Significance.

GeneDx
Classification: Likely benign. Last evaluated: 2016-01-05. Review status: criteria provided, single submitter. Criteria: GeneDx Variant Classification (06012015). Collection method: clinical testing. Allele origin: germline. Affected: yes.
Comment: This variant is considered likely benign or benign based on one or more of the following criteria: it is a conservative change, it occurs at a poorly conserved position in the protein, it is predicted to be benign by multiple in silico algorithms, and/or has population frequency not consistent with disease.

Literature cited by the submitters: PubMed 25085752 (cited by Myriad Genetics, Inc.).